The following is an entry in ClinVar:

ClinVar aggregate classification (germline): Uncertain significance. Review status: criteria provided, multiple submitters, no conflicts (2 of 4 stars). 2 submissions from 2 submitters: Uncertain significance (2). Last evaluated 2025-07-14.

Conditions:
Nephronophthisis. Also called: Juvenile Nephronophthisis. Identifiers: Orphanet 655, MedGen C0687120, MONDO:0019005, HP:0000090.
Inborn genetic diseases. Identifiers: MedGen C0950123, MeSH D030342.

Allele frequency attached by ClinVar (database versions not stated): ExAC 0.00001; gnomAD 0.00001; gnomAD exomes 0.00001; TOPMed 0.00001.
gnomAD v4.1: 11 of 1,614,014 alleles (0.00068%); highest among the groups gnomAD compares: Admixed American, 0.0067%; no homozygotes.

Submissions (2):

Labcorp Genetics (formerly Invitae), Labcorp
Classification: Uncertain significance for Nephronophthisis. Last evaluated: 2025-07-14. Review status: criteria provided, single submitter. Criteria: Invitae Variant Classification Sherloc (09022015). Collection method: clinical testing. Allele origin: germline.
Comment: This sequence change replaces alanine, which is neutral and non-polar, with glycine, which is neutral and non-polar, at codon 197 of the INVS protein (p.Ala197Gly). This variant is present in population databases (rs774469922, gnomAD 0.003%). This variant has not been reported in the literature in individuals affected with INVS-related conditions. ClinVar contains an entry for this variant (Variation ID: 1480180). An algorithm developed to predict the effect of missense changes on protein structure and function (PolyPhen-2) suggests that this variant is likely to be disruptive. In summary, the available evidence is currently insufficient to determine the role of this variant in disease. Therefore, it has been classified as a Variant of Uncertain Significance.

Ambry Genetics
Classification: Uncertain significance for Inborn genetic diseases. Last evaluated: 2022-09-16. Review status: criteria provided, single submitter. Criteria: Ambry Variant Classification Scheme 2023. Collection method: clinical testing. Allele origin: germline.

NM_014425.5(INVS):c.590C>G (p.Ala197Gly)

Gene: INVS (inversin; plus strand). Cytogenetic location: 9q31.1.
Variant type: single nucleotide variant.
Coding change: c.590C>G on transcript NM_014425.5 (MANE Select); coding-DNA position 590, C replaced by G.
Protein change: p.Ala197Gly; replaces alanine 197 with glycine.
Molecular consequence: missense variant. On other transcripts: 5 prime UTR variant (1), non-coding transcript variant (1).
Genome position (GRCh38, 1-based): chr9:100,229,802, C>G. VCF-style: chr9-100229802-C-G. GRCh37 (hg19) VCF-style: chr9-102992084-C-G.
Other names: c.590C>G (NM_014425.2); c.302C>G, p.Ala101Gly (NM_001318381.2); c.-400C>G (NM_001318382.2); short protein forms A101G, A197G.
Identifiers: ClinVar variation 1480180 (VCV001480180.6), dbSNP rs774469922, ClinGen allele CA5158194.
Genomic context (GRCh38, chr9:100,229,802, plus strand): 5'-TTCCTGATGTTGAAGGCAAGATCCCACTTCACTGGGCAGCCAACCATAAAGATCCAAGTG[C>G]TGTTCACACAGTGAGATGCATTCTGGTGAGTTGAATGGTACTGCTAGACCTGAATGGCCT-3'
Protein context (NP_055240.2, residues 187-207): HWAANHKDPS[Ala197Gly]VHTVRCILDA